The following is an entry in ClinVar:

ClinVar aggregate classification (germline): Uncertain significance (1 of 4 stars; one submission).

Submission:

Labcorp Genetics (formerly Invitae), Labcorp
Classification: Uncertain significance. Last evaluated: 2023-07-25. Review status: criteria provided, single submitter. Criteria: Invitae Variant Classification Sherloc (09022015). Collection method: clinical testing. Allele origin: unknown.
Comment: In summary, the available evidence is currently insufficient to determine the role of this variant in disease. Therefore, it has been classified as a Variant of Uncertain Significance. This variant has not been reported in the literature in individuals affected with MYCN-related conditions. A copy number gain of the genomic region encompassing the full coding sequence of the MYCN gene has been identified. The boundaries of this event are unknown as they extend beyond the assayed region for this gene and therefore may encompass additional genes. As the precise location of this event is unknown, it may be in tandem or it may be located elsewhere in the genome.

NC_000002.11:g.(?_15307172)_(17963206_?)dup

Genes: CYRIA (CYFIP related Rac1 interactor A; minus strand), DDX1 (DEAD-box helicase 1; plus strand), GEN1 (GEN1 Holliday junction 5' flap endonuclease; plus strand), MYCN (MYCN proto-oncogene, bHLH transcription factor; plus strand), MYCNOS (MYCN opposite strand; minus strand) and 4 more. Cytogenetic location: 2p24.3-24.2.
Variant type: Duplication.
Identifiers: ClinVar variation 3247533 (VCV003247533.1).